The following is an entry in ClinVar:

NM_012469.4(PRPF6):c.2780G>A (p.Gly927Glu)

Gene: PRPF6 (pre-mRNA processing factor 6; plus strand). Cytogenetic location: 20q13.33.
Variant type: single nucleotide variant.
Coding change: c.2780G>A on transcript NM_012469.4 (MANE Select); coding-DNA position 2780, G replaced by A.
Protein change: p.Gly927Glu; replaces glycine 927 with glutamic acid.
Molecular consequence: missense variant.
Genome position (GRCh38, 1-based): chr20:64,032,947, G>A. VCF-style: chr20-64032947-G-A. GRCh37 (hg19) VCF-style: chr20-62664300-G-A.
Other names: short protein forms G927E.
Identifiers: ClinVar variation 1039586 (VCV001039586.8), dbSNP rs1255663656, ClinGen allele CA409748334.

ClinVar aggregate classification (germline): Uncertain significance (1 of 4 stars; one submission).

Allele frequency attached by ClinVar (database versions not stated): TOPMed 0.00001.

Submission:

Labcorp Genetics (formerly Invitae), Labcorp
Classification: Uncertain significance. Last evaluated: 2020-07-01. Review status: criteria provided, single submitter. Criteria: Invitae Variant Classification Sherloc (09022015). Collection method: clinical testing. Allele origin: germline.
Comment: In summary, the available evidence is currently insufficient to determine the role of this variant in disease. Therefore, it has been classified as a Variant of Uncertain Significance. Algorithms developed to predict the effect of missense changes on protein structure and function (SIFT, PolyPhen-2, Align-GVGD) all suggest that this variant is likely to be tolerated, but these predictions have not been confirmed by published functional studies and their clinical significance is uncertain. This variant has not been reported in the literature in individuals with PRPF6-related conditions. This variant is not present in population databases (ExAC no frequency). This sequence change replaces glycine with glutamic acid at codon 927 of the PRPF6 protein (p.Gly927Glu). The glycine residue is moderately conserved and there is a moderate physicochemical difference between glycine and glutamic acid.